The following is an entry in ClinVar:

NM_001041.4(SI):c.5279G>A (p.Gly1760Asp)

Gene: SI (sucrase-isomaltase; minus strand). Cytogenetic location: 3q26.1.
Variant type: single nucleotide variant.
Coding change: c.5279G>A on transcript NM_001041.4 (MANE Select); coding-DNA position 5279, G replaced by A.
Protein change: p.Gly1760Asp; replaces glycine 1760 with aspartic acid.
Molecular consequence: missense variant.
Genome position (GRCh38, 1-based): chr3:164,982,379, C>T on the plus strand (G>A on the coding strand, the complement: SI is on the minus strand). VCF-style: chr3-164982379-C-T. GRCh37 (hg19) VCF-style: chr3-164700167-C-T.
Other names: short protein forms G1760D.
Identifiers: ClinVar variation 903058 (VCV000903058.9), dbSNP rs145556619, ClinGen allele CA2689560.

ClinVar aggregate classification (germline): Conflicting classifications of pathogenicity. Review status: criteria provided, conflicting classifications (1 of 4 stars). 4 submissions from 4 submitters: Uncertain significance (3); Likely benign (1). Last evaluated 2026-01-22.

Conditions:
Sucrase-isomaltase deficiency (CSID). Also called: Deficiency of isomaltase; Congenital sucrose isomaltose malabsorption; Sucrose isomaltose enzyme deficiency; SI DEFICIENCY. Identifiers: Orphanet 35122, MedGen C1283620, MONDO:0009114, OMIM 222900.

Allele frequency attached by ClinVar (database versions not stated): TOPMed 0.00015; 1000 Genomes Project 30x 0.00031; ESP Exome Variant Server 0.00031.
gnomAD v4.1: 407 of 1,612,042 alleles (0.025%); highest among the groups gnomAD compares: Non-Finnish European, 0.032%; 1 homozygote.

Submissions (4):

Labcorp Genetics (formerly Invitae), Labcorp
Classification: Likely benign. Last evaluated: 2026-01-22. Review status: criteria provided, single submitter. Criteria: Invitae Variant Classification Sherloc (09022015). Collection method: clinical testing. Allele origin: germline.

Fulgent Genetics
Classification: Uncertain significance for Sucrase-isomaltase deficiency. Last evaluated: 2024-04-27. Review status: criteria provided, single submitter. Criteria: ACMG Guidelines, 2015. Collection method: clinical testing. Allele origin: germline.

Genetics and Molecular Pathology, SA Pathology
Classification: Uncertain significance for Sucrase-isomaltase deficiency. Last evaluated: 2023-04-12. Review status: criteria provided, single submitter. Criteria: ACMG Guidelines, 2015. Collection method: clinical testing. Allele origin: germline. Inheritance: Autosomal recessive inheritance. Affected: yes.
Comment: The SI c.5279G>A variant is classified as VARIANT OF UNCERTAIN SIGNIFICANCE (PM3, PM2) The variant is a single nucleotide change in exon 47/48 of the SI gene, which is predicted to change the amino acid glycine at position 1760 in the protein to aspartic acid. The variant has been previously detected in at least one individual with Congenital sucrase-isomaltase deficiency with unclear zygosity (PMID: 32732636). The variant is in dbSNP (rs145556619) but is rare in population databases (gnomAD: 23/151954, 0 homozygote) (PM2). The variant has been reported by other laboratories or HGMD (Accession no.: CM2124321) with conflicting interpretations of pathogenicity (1 VUS, 1 Likely Benign/ Disease causing) (ClinVar Variation ID: 903058). Computational preditions are conflicting (neither BP4 or PP3 applied). Clinical review is recommended.

Illumina Laboratory Services, Illumina
Classification: Uncertain significance for Sucrase-isomaltase deficiency. Last evaluated: 2018-01-12. Review status: criteria provided, single submitter. Criteria: ICSL Variant Classification Criteria 13 December 2019. Collection method: clinical testing. Allele origin: germline.

Literature cited by the submitters: PubMed 32732636 (cited by Genetics and Molecular Pathology, SA Pathology).